The following is an entry in ClinVar:

NM_001365925.2(NLGN1):c.483G>A (p.Pro161=)

Gene: NLGN1 (neuroligin 1; plus strand). Cytogenetic location: 3q26.31.
Variant type: single nucleotide variant.
Coding change: c.483G>A on transcript NM_001365925.2 (MANE Select); coding-DNA position 483, G replaced by A.
Protein change: p.Pro161=; no amino-acid change (proline 161 retained).
Molecular consequence: synonymous variant.
Genome position (GRCh38, 1-based): chr3:173,605,081, G>A. VCF-style: chr3-173605081-G-A. GRCh37 (hg19) VCF-style: chr3-173322871-G-A.
Other names: c.483G>A, p.Pro161= (NM_001365923.2, NM_001365924.2, NM_001365926.2 and 11 more transcripts).
Identifiers: ClinVar variation 3057547 (VCV003057547.2), dbSNP rs981103140, ClinGen allele CA88277449.
Genomic context (GRCh38, chr3:173,605,081, plus strand): 5'-GGTTTCATCATATGTGCAAGACCAGAGCGAAGACTGCCTATATTTAAATATATATGTCCC[G>A]ACTGAGGATGGTGAGTTTATTGCAGGAAAAACAGGGAGATATATTTATATATTTTTTCTA-3'
Protein context (NP_001352854.1, residues 151-171): EDCLYLNIYV[Pro161=]TEDVKRISKE

ClinVar aggregate classification (germline): Likely benign (0 of 4 stars; one submission).

Conditions:
NLGN1-related disorder. Also called: NLGN1-related condition.

Allele frequency attached by ClinVar (database versions not stated): gnomAD 0.00002; gnomAD exomes 0.00003.
gnomAD v4.1: 41 of 1,605,248 alleles (0.0026%); highest among the groups gnomAD compares: Non-Finnish European, 0.003%; no homozygotes.

Submission:

PreventionGenetics, part of Exact Sciences
Classification: Likely benign for NLGN1-related condition. Last evaluated: 2019-03-26. Review status: no assertion criteria provided. Collection method: clinical testing. Allele origin: germline.
Comment: This variant is classified as likely benign based on ACMG/AMP sequence variant interpretation guidelines (Richards et al. 2015 PMID: 25741868, with internal and published modifications).